The following is an entry in ClinVar:

NM_002618.4(PEX13):c.787+1G>A

Gene: PEX13 (peroxisomal biogenesis factor 13; plus strand). Cytogenetic location: 2p15.
Variant type: single nucleotide variant.
Coding change: c.787+1G>A on transcript NM_002618.4 (MANE Select); the canonical splice donor site of the intron after coding-DNA position 787, G replaced by A.
Molecular consequence: splice donor variant.
Genome position (GRCh38, 1-based): chr2:61,032,114, G>A. VCF-style: chr2-61032114-G-A. GRCh37 (hg19) VCF-style: chr2-61259249-G-A.
Identifiers: ClinVar variation 1066210 (VCV001066210.9), dbSNP rs2104803776, ClinGen allele CA346945076.

ClinVar aggregate classification (germline): Likely pathogenic (1 of 4 stars; one submission).

Conditions:
Peroxisome biogenesis disorder 11A (Zellweger). Also called: Peroxisome biogenesis disorder 11A. Identifiers: Orphanet 912, MedGen C3554000, MONDO:0013949, OMIM 614883.

Submission:

Labcorp Genetics (formerly Invitae), Labcorp
Classification: Likely pathogenic for Peroxisome biogenesis disorder 11A (Zellweger). Last evaluated: 2023-04-24. Review status: criteria provided, single submitter. Criteria: Invitae Variant Classification Sherloc (09022015). Collection method: clinical testing. Allele origin: germline.
Comment: In summary, the currently available evidence indicates that the variant is pathogenic, but additional data are needed to prove that conclusively. Therefore, this variant has been classified as Likely Pathogenic. Algorithms developed to predict the effect of sequence changes on RNA splicing suggest that this variant may disrupt the consensus splice site. ClinVar contains an entry for this variant (Variation ID: 1066210). This variant has not been reported in the literature in individuals affected with PEX13-related conditions. This variant is not present in population databases (gnomAD no frequency). This sequence change affects a donor splice site in intron 2 of the PEX13 gene. It is expected to disrupt RNA splicing. Variants that disrupt the donor or acceptor splice site typically lead to a loss of protein function (PMID: 16199547), and loss-of-function variants in PEX13 are known to be pathogenic (PMID: 10332040, 21031596).

Literature cited by the submitters: PubMed 16199547; PubMed 10332040; PubMed 21031596.